The following is an entry in ClinVar:

NM_000051.4(ATM):c.6766G>A (p.Val2256Ile)

Genes: ATM (ATM serine/threonine kinase; plus strand), C11orf65 (chromosome 11 open reading frame 65; minus strand). Cytogenetic location: 11q22.3.
Variant type: single nucleotide variant.
Coding change: c.6766G>A on transcript NM_000051.4 (MANE Select); coding-DNA position 6766, G replaced by A.
Protein change: p.Val2256Ile; replaces valine 2256 with isoleucine.
Molecular consequence: missense variant. On other transcripts: intron variant (2).
Genome position (GRCh38, 1-based): chr11:108,325,503, G>A. VCF-style: chr11-108325503-G-A. GRCh37 (hg19) VCF-style: chr11-108196230-G-A.
Other names: c.6766G>A, p.Val2256Ile (NM_001351834.2); c.641-16432C>T (NM_001330368.2); c.*38+9717C>T (NM_001351110.2); short protein forms V2256I.
Identifiers: ClinVar variation 579977 (VCV000579977.11), dbSNP rs1565519006, ClinGen allele CA382555372.

ClinVar aggregate classification (germline): Conflicting classifications of pathogenicity. Review status: criteria provided, conflicting classifications (1 of 4 stars). 2 submissions from 2 submitters: Uncertain significance (1); Likely benign (1). Last evaluated 2025-04-24.

Conditions:
Hereditary cancer-predisposing syndrome. Also called: Hereditary Cancer Syndrome; Neoplastic Syndromes, Hereditary; Tumor predisposition; Hereditary neoplastic syndrome. Identifiers: Orphanet 140162, MedGen C0027672, MeSH D009386, MONDO:0015356.
Ataxia-telangiectasia syndrome (AT). Also called: Cerebello-oculocutaneous telangiectasia; Immunodeficiency with ataxia telangiectasia; Ataxia-telangiectasia, complementation group E; Ataxia-telangiectasia, complementation group D; AT, COMPLEMENTATION GROUP C; ATAXIA-TELANGIECTASIA, COMPLEMENTATION GROUP A. Identifiers: Orphanet 100, MedGen C0004135, MONDO:0008840, OMIM 208900.

Allele frequency attached by ClinVar (database versions not stated): TOPMed below 0.00001.

Submissions (2):

Labcorp Genetics (formerly Invitae), Labcorp
Classification: Uncertain significance for Ataxia-telangiectasia syndrome. Last evaluated: 2025-04-24. Review status: criteria provided, single submitter. Criteria: Invitae Variant Classification Sherloc (09022015). Collection method: clinical testing. Allele origin: germline.
Comment: This sequence change replaces valine, which is neutral and non-polar, with isoleucine, which is neutral and non-polar, at codon 2256 of the ATM protein (p.Val2256Ile). This variant is not present in population databases (gnomAD no frequency). This variant has not been reported in the literature in individuals affected with ATM-related conditions. ClinVar contains an entry for this variant (Variation ID: 579977). Invitae Evidence Modeling of protein sequence and biophysical properties (such as structural, functional, and spatial information, amino acid conservation, physicochemical variation, residue mobility, and thermodynamic stability) indicates that this missense variant is not expected to disrupt ATM protein function with a negative predictive value of 95%. In summary, the available evidence is currently insufficient to determine the role of this variant in disease. Therefore, it has been classified as a Variant of Uncertain Significance.

Ambry Genetics
Classification: Likely benign for Hereditary cancer-predisposing syndrome. Last evaluated: 2024-11-27. Review status: criteria provided, single submitter. Criteria: Ambry Variant Classification Scheme 2023. Collection method: clinical testing. Allele origin: germline.